The following is an entry in ClinVar:

NM_022047.4(DEF6):c.812del (p.Leu271fs)

Gene: DEF6 (DEF6 guanine nucleotide exchange factor; plus strand). Cytogenetic location: 6p21.31.
Variant type: Deletion.
Coding change: c.812del on transcript NM_022047.4 (MANE Select); coding-DNA position 812, one base deleted (T; older notation c.812delT).
Protein change: p.Leu271fs; shifts the reading frame from leucine 271.
Molecular consequence: frameshift variant.
Genome position (GRCh38, 1-based): chr6:35,317,895, T deleted. VCF-style (leftmost placement, unchanged base first): chr6-35317894-CT-C. GRCh37 (hg19) VCF-style: chr6-35285671-CT-C.
Other names: short protein forms L271fs.
Identifiers: ClinVar variation 3656992 (VCV003656992.2).

ClinVar aggregate classification (germline): Pathogenic (1 of 4 stars; one submission).

Submission:

Labcorp Genetics (formerly Invitae), Labcorp
Classification: Pathogenic. Last evaluated: 2024-08-08. Review status: criteria provided, single submitter. Criteria: Invitae Variant Classification Sherloc (09022015). Collection method: clinical testing. Allele origin: germline.
Comment: This sequence change creates a premature translational stop signal (p.Leu271Argfs*13) in the DEF6 gene. It is expected to result in an absent or disrupted protein product. Loss-of-function variants in DEF6 are known to be pathogenic (PMID: 16470246, 32562707). This variant is not present in population databases (gnomAD no frequency). This variant has not been reported in the literature in individuals affected with DEF6-related conditions. For these reasons, this variant has been classified as Pathogenic.

Literature cited by the submitters: PubMed 16470246; PubMed 32562707.